The following is an entry in ClinVar:

NM_000124.4(ERCC6):c.1712T>C (p.Ile571Thr)

Gene: ERCC6 (ERCC excision repair 6, chromatin remodeling factor; minus strand). Cytogenetic location: 10q11.23.
Variant type: single nucleotide variant.
Coding change: c.1712T>C on transcript NM_000124.4 (MANE Select); coding-DNA position 1712, T replaced by C.
Protein change: p.Ile571Thr; replaces isoleucine 571 with threonine.
Molecular consequence: missense variant.
Genome position (GRCh38, 1-based): chr10:49,493,226, A>G on the plus strand (T>C on the coding strand, the complement: ERCC6 is on the minus strand). VCF-style: chr10-49493226-A-G. GRCh37 (hg19) VCF-style: chr10-50701272-A-G.
Other names: c.1712T>C, p.Ile571Thr (NM_001346440.2); short protein forms I571T.
Identifiers: ClinVar variation 1918690 (VCV001918690.6), dbSNP rs1851207691, ClinGen allele CA376726626.

ClinVar aggregate classification (germline): Uncertain significance. Review status: criteria provided, multiple submitters, no conflicts (2 of 4 stars). 2 submissions from 2 submitters: Uncertain significance (2). Last evaluated 2023-07-17.

Conditions:
Inborn genetic diseases. Identifiers: MedGen C0950123, MeSH D030342.

Allele frequency attached by ClinVar (database versions not stated): gnomAD exomes below 0.00001; TOPMed below 0.00001; gnomAD 0.00001.
gnomAD v4.1: 3 of 1,614,036 alleles (0.00019%); highest among the groups gnomAD compares: African/African-American, 0.004%; no homozygotes.

Submissions (2):

Labcorp Genetics (formerly Invitae), Labcorp
Classification: Uncertain significance. Last evaluated: 2023-07-17. Review status: criteria provided, single submitter. Criteria: Invitae Variant Classification Sherloc (09022015). Collection method: clinical testing. Allele origin: germline.
Comment: This sequence change replaces isoleucine, which is neutral and non-polar, with threonine, which is neutral and polar, at codon 571 of the ERCC6 protein (p.Ile571Thr). In summary, the available evidence is currently insufficient to determine the role of this variant in disease. Therefore, it has been classified as a Variant of Uncertain Significance. Advanced modeling of protein sequence and biophysical properties (such as structural, functional, and spatial information, amino acid conservation, physicochemical variation, residue mobility, and thermodynamic stability) performed at Invitae indicates that this missense variant is expected to disrupt ERCC6 protein function. ClinVar contains an entry for this variant (Variation ID: 1918690). This variant has not been reported in the literature in individuals affected with ERCC6-related conditions. This variant is not present in population databases (gnomAD no frequency).

Ambry Genetics
Classification: Uncertain significance for Inborn genetic diseases. Last evaluated: 2022-05-27. Review status: criteria provided, single submitter. Criteria: Ambry Variant Classification Scheme 2023. Collection method: clinical testing. Allele origin: germline.